The following is an entry in ClinVar:

NM_005591.4(MRE11):c.76A>C (p.Met26Leu)

Gene: MRE11 (MRE11 double strand break repair nuclease; minus strand). Cytogenetic location: 11q21.
Variant type: single nucleotide variant.
Coding change: c.76A>C on transcript NM_005591.4 (MANE Select); coding-DNA position 76, A replaced by C.
Protein change: p.Met26Leu; replaces methionine 26 with leucine.
Molecular consequence: missense variant.
Genome position (GRCh38, 1-based): chr11:94,490,910, T>G on the plus strand (A>C on the coding strand, the complement: MRE11 is on the minus strand). VCF-style: chr11-94490910-T-G. GRCh37 (hg19) VCF-style: chr11-94224076-T-G.
Other names: c.76A>C, p.Met26Leu (NM_001330347.2, NM_005590.4); short protein forms M26L.
Identifiers: ClinVar variation 3224865 (VCV003224865.1), dbSNP rs765822583, ClinGen allele CA6235465.

ClinVar aggregate classification (germline): Uncertain significance (1 of 4 stars; one submission).

Conditions:
Hereditary cancer-predisposing syndrome. Also called: Neoplastic Syndromes, Hereditary; Tumor predisposition; Hereditary neoplastic syndrome; Hereditary Cancer Syndrome. Identifiers: Orphanet 140162, MedGen C0027672, MeSH D009386, MONDO:0015356.

Allele frequency attached by ClinVar (database versions not stated): gnomAD exomes below 0.00001; ExAC 0.00001.
gnomAD v4.1: 1 of 1,591,422 alleles (0.000063%); highest among the groups gnomAD compares: South Asian, 0.0011%; no homozygotes.

Submission:

Ambry Genetics
Classification: Uncertain significance for Hereditary cancer-predisposing syndrome. Last evaluated: 2024-01-03. Review status: criteria provided, single submitter. Criteria: Ambry Variant Classification Scheme 2023. Collection method: clinical testing. Allele origin: germline.
Comment: The p.M26L variant (also known as c.76A>C), located in coding exon 2 of the MRE11A gene, results from an A to C substitution at nucleotide position 76. The methionine at codon 26 is replaced by leucine, an amino acid with highly similar properties. This amino acid position is not well conserved in available vertebrate species. In addition, this alteration is predicted to be tolerated by in silico analysis. Since supporting evidence is limited at this time, the clinical significance of this alteration remains unclear.